The following is an entry in ClinVar:

NM_033004.4(NLRP1):c.2863C>T (p.Arg955Cys)

Gene: NLRP1 (NLR family pyrin domain containing 1; minus strand). Cytogenetic location: 17p13.2.
Variant type: single nucleotide variant.
Coding change: c.2863C>T on transcript NM_033004.4 (MANE Select); coding-DNA position 2863, C replaced by T.
Protein change: p.Arg955Cys; replaces arginine 955 with cysteine.
Molecular consequence: missense variant.
Genome position (GRCh38, 1-based): chr17:5,539,422, G>A on the plus strand (C>T on the coding strand, the complement: NLRP1 is on the minus strand). VCF-style: chr17-5539422-G-A. GRCh37 (hg19) VCF-style: chr17-5442742-G-A.
Other names: c.2863C>T, p.Arg955Cys (NM_001033053.3, NM_014922.5, NM_033006.4 and 1 more transcripts); short protein forms R955C.
Identifiers: ClinVar variation 1041632 (VCV001041632.7), dbSNP rs139267837, ClinGen allele CA8327042.

ClinVar aggregate classification (germline): Uncertain significance (1 of 4 stars; one submission).

Allele frequency attached by ClinVar (database versions not stated): ExAC 0.00012; gnomAD exomes 0.00013; gnomAD 0.00039 and 0.00041; 1000 Genomes Project 0.00040; ESP Exome Variant Server 0.00046; 1000 Genomes Project 30x 0.00047; TOPMed 0.00053.
gnomAD v4.1: 147 of 1,612,344 alleles (0.0091%); highest among the groups gnomAD compares: African/African-American, 0.12%; no homozygotes.

Submission:

Labcorp Genetics (formerly Invitae), Labcorp
Classification: Uncertain significance. Last evaluated: 2026-01-01. Review status: criteria provided, single submitter. Criteria: Invitae Variant Classification Sherloc (09022015). Collection method: clinical testing. Allele origin: germline.
Comment: This sequence change replaces arginine, which is basic and polar, with cysteine, which is neutral and slightly polar, at codon 955 of the NLRP1 protein (p.Arg955Cys). This variant is present in population databases (rs139267837, gnomAD 0.2%). This variant has not been reported in the literature in individuals affected with NLRP1-related conditions. ClinVar contains an entry for this variant (Variation ID: 1041632). An algorithm developed to predict the effect of missense changes on protein structure and function (PolyPhen-2) suggests that this variant is likely to be tolerated. In summary, the available evidence is currently insufficient to determine the role of this variant in disease. Therefore, it has been classified as a Variant of Uncertain Significance.